The following is an entry in ClinVar:

ClinVar aggregate classification (germline): Uncertain significance (1 of 4 stars; one submission).

Conditions:
Noonan syndrome 9 (NS9). Identifiers: Orphanet 648, MedGen C4225282, MONDO:0014691, OMIM 616559.

Submission:

Labcorp Genetics (formerly Invitae), Labcorp
Classification: Uncertain significance for Noonan syndrome 9. Last evaluated: 2025-05-14. Review status: criteria provided, single submitter. Criteria: Invitae Variant Classification Sherloc (09022015). Collection method: clinical testing. Allele origin: germline.
Comment: This sequence change replaces aspartic acid, which is acidic and polar, with glycine, which is neutral and non-polar, at codon 1171 of the SOS2 protein (p.Asp1171Gly). This variant is not present in population databases (gnomAD no frequency). This variant has not been reported in the literature in individuals affected with SOS2-related conditions. Invitae Evidence Modeling of protein sequence and biophysical properties (such as structural, functional, and spatial information, amino acid conservation, physicochemical variation, residue mobility, and thermodynamic stability) indicates that this missense variant is not expected to disrupt SOS2 protein function with a negative predictive value of 95%. In summary, the available evidence is currently insufficient to determine the role of this variant in disease. Therefore, it has been classified as a Variant of Uncertain Significance.

NM_006939.4(SOS2):c.3512A>G (p.Asp1171Gly)

Gene: SOS2 (SOS Ras/Rho guanine nucleotide exchange factor 2; minus strand). Cytogenetic location: 14q21.3.
Variant type: single nucleotide variant.
Coding change: c.3512A>G on transcript NM_006939.4 (MANE Select); coding-DNA position 3512, A replaced by G.
Protein change: p.Asp1171Gly; replaces aspartic acid 1171 with glycine.
Molecular consequence: missense variant.
Genome position (GRCh38, 1-based): chr14:50,118,831, T>C on the plus strand (A>G on the coding strand, the complement: SOS2 is on the minus strand). VCF-style: chr14-50118831-T-C. GRCh37 (hg19) VCF-style: chr14-50585549-T-C.
Other names: c.3413A>G, p.Asp1138Gly (NM_001411020.1); short protein forms D1171G, D1138G.
Identifiers: ClinVar variation 4754434 (VCV004754434.1).